The following is an entry in ClinVar:

ClinVar aggregate classification (germline): Uncertain significance (1 of 4 stars; one submission).

Conditions:
Epidermolysis bullosa simplex with nail dystrophy (EBS5D). Identifiers: MedGen C4225309, MONDO:0014661, OMIM 616487.
Epidermolysis bullosa simplex, Ogna type (EBS5A). Also called: EPIDERMOLYSIS BULLOSA SIMPLEX 5A, OGNA TYPE; Pidermolysis bullosa simplex 5A, Ogna type. Identifiers: Orphanet 79401, MedGen C0432317, MONDO:0007555, OMIM 131950.
Autosomal recessive limb-girdle muscular dystrophy type 2Q (LGMDR17). Also called: MUSCULAR DYSTROPHY, LIMB-GIRDLE, AUTOSOMAL RECESSIVE 17. Identifiers: Orphanet 254361, MedGen C3150989, MONDO:0013390, OMIM 613723.
Epidermolysis bullosa simplex 5B, with muscular dystrophy (EBS5B). Also called: EPIDERMOLYSIS BULLOSA SIMPLEX AND LIMB-GIRDLE MUSCULAR DYSTROPHY; Epidermolysis bullosa simplex with muscular dystrophy. Identifiers: Orphanet 257, MedGen C2931072, MONDO:0009181, OMIM 226670.
Epidermolysis bullosa simplex 5C, with pyloric atresia (EBS5C). Also called: PLEC1-Related Epidermolysis Bullosa with Pyloric Atresia; PLEC-Related Epidermolysis Bullosa with Pyloric Atresia; Epidermolysis bullosa simplex with pyloric atresia. Identifiers: Orphanet 158684, MedGen C2677349, MONDO:0012807, OMIM 612138.

Submission:

Labcorp Genetics (formerly Invitae), Labcorp
Classification: Uncertain significance for Autosomal recessive limb-girdle muscular dystrophy type 2Q; Epidermolysis bullosa simplex, Ogna type; Epidermolysis bullosa simplex with nail dystrophy; Epidermolysis bullosa simplex 5C, with pyloric atresia; Epidermolysis bullosa simplex 5B, with muscular dystrophy. Last evaluated: 2024-09-27. Review status: criteria provided, single submitter. Criteria: Invitae Variant Classification Sherloc (09022015). Collection method: clinical testing. Allele origin: germline.
Comment: This sequence change replaces phenylalanine, which is neutral and non-polar, with leucine, which is neutral and non-polar, at codon 595 of the PLEC protein (p.Phe595Leu). This variant is present in population databases (no rsID available, gnomAD 0.0008%). This variant has not been reported in the literature in individuals affected with PLEC-related conditions. Invitae Evidence Modeling of protein sequence and biophysical properties (such as structural, functional, and spatial information, amino acid conservation, physicochemical variation, residue mobility, and thermodynamic stability) indicates that this missense variant is expected to disrupt PLEC protein function with a positive predictive value of 80%. In summary, the available evidence is currently insufficient to determine the role of this variant in disease. Therefore, it has been classified as a Variant of Uncertain Significance.

NM_201384.3(PLEC):c.1702T>C (p.Phe568Leu)

Gene: PLEC (plectin; minus strand). Cytogenetic location: 8q24.3.
Variant type: single nucleotide variant.
Coding change: c.1702T>C on transcript NM_201384.3 (MANE Select); coding-DNA position 1702, T replaced by C.
Protein change: p.Phe568Leu; replaces phenylalanine 568 with leucine.
Molecular consequence: missense variant.
Genome position (GRCh38, 1-based): chr8:143,932,828, A>G on the plus strand (T>C on the coding strand, the complement: PLEC is on the minus strand). VCF-style: chr8-143932828-A-G. GRCh37 (hg19) VCF-style: chr8-145006996-A-G.
Other names: c.1783T>C, p.Phe595Leu (NM_000445.5, NM_001410941.1); c.1660T>C, p.Phe554Leu (NM_201378.4); c.1636T>C, p.Phe546Leu (NM_201379.3); c.2113T>C, p.Phe705Leu (NM_201380.4); c.1606T>C, p.Phe536Leu (NM_201381.3); c.1702T>C, p.Phe568Leu (NM_201382.4); c.1714T>C, p.Phe572Leu (NM_201383.3); short protein forms F536L, F546L, F554L, F568L, F572L, F595L, F705L.
Identifiers: ClinVar variation 3762369 (VCV003762369.2).